The following is an entry in ClinVar:

NM_006231.4(POLE):c.6156G>A (p.Gln2052=)

Gene: POLE (DNA polymerase epsilon, catalytic subunit; minus strand). Cytogenetic location: 12q24.33.
Variant type: single nucleotide variant.
Coding change: c.6156G>A on transcript NM_006231.4 (MANE Select); coding-DNA position 6156, G replaced by A.
Protein change: p.Gln2052=; no amino-acid change (glutamine 2052 retained).
Molecular consequence: synonymous variant.
Genome position (GRCh38, 1-based): chr12:132,632,489, C>T on the plus strand (G>A on the coding strand, the complement: POLE is on the minus strand). VCF-style: chr12-132632489-C-T. GRCh37 (hg19) VCF-style: chr12-133209075-C-T.
Identifiers: ClinVar variation 484585 (VCV000484585.62), dbSNP rs149841283, ClinGen allele CA246292915.

ClinVar aggregate classification (germline): Likely benign. Review status: criteria provided, multiple submitters, no conflicts (2 of 4 stars). 5 submissions from 5 submitters: Likely benign (5). Last evaluated 2026-06-01.

Conditions:
Hereditary cancer-predisposing syndrome. Also called: Hereditary neoplastic syndrome; Tumor predisposition; Neoplastic Syndromes, Hereditary; Hereditary Cancer Syndrome. Identifiers: Orphanet 140162, MedGen C0027672, MeSH D009386, MONDO:0015356.

Allele frequency attached by ClinVar (database versions not stated): gnomAD exomes below 0.00001 and 0.00003; TOPMed below 0.00001; gnomAD 0.00001; ESP Exome Variant Server 0.00008.
gnomAD v4.1: 45 of 1,614,004 alleles (0.0028%); highest among the groups gnomAD compares: Non-Finnish European, 0.0038%; no homozygotes.

Submissions (5):

CeGaT Center for Human Genetics Tuebingen
Classification: Likely benign. Last evaluated: 2026-06-01. Review status: criteria provided, single submitter. Criteria: CeGaT Center For Human Genetics Tuebingen Variant Classification Criteria Version 2. Collection method: clinical testing. Allele origin: germline. Affected: yes. Observed: 2 variant alleles.
Comment: POLE: BP4, BP7

Labcorp Genetics (formerly Invitae), Labcorp
Classification: Likely benign. Last evaluated: 2025-11-05. Review status: criteria provided, single submitter. Criteria: Invitae Variant Classification Sherloc (09022015). Collection method: clinical testing. Allele origin: germline.

Center for Genomic Medicine, Rigshospitalet, Copenhagen University Hospital
Classification: Likely benign. Last evaluated: 2025-03-04. Review status: criteria provided, single submitter. Criteria: ACMG Guidelines, 2015. Collection method: clinical testing. Allele origin: germline.

GeneDx
Classification: Likely benign. Last evaluated: 2020-12-23. Review status: criteria provided, single submitter. Criteria: GeneDx Variant Classification Process June 2021. Collection method: clinical testing. Allele origin: germline. Affected: yes.

Ambry Genetics
Classification: Likely benign for Hereditary cancer-predisposing syndrome. Last evaluated: 2017-05-30. Review status: criteria provided, single submitter. Criteria: Ambry Variant Classification Scheme 2023. Collection method: clinical testing. Allele origin: germline.